The following is an entry in ClinVar:

NM_015705.6(SGSM3):c.711C>T (p.Phe237=)

Gene: SGSM3 (small G protein signaling modulator 3; plus strand). Cytogenetic location: 22q13.1.
Variant type: single nucleotide variant.
Coding change: c.711C>T on transcript NM_015705.6 (MANE Select); coding-DNA position 711, C replaced by T.
Protein change: p.Phe237=; no amino-acid change (phenylalanine 237 retained).
Molecular consequence: synonymous variant. On other transcripts: non-coding transcript variant (4).
Genome position (GRCh38, 1-based): chr22:40,405,741, C>T. VCF-style: chr22-40405741-C-T. GRCh37 (hg19) VCF-style: chr22-40801745-C-T.
Other names: c.522C>T, p.Phe174= (NM_001301849.2, NM_001350042.2, NM_001350044.2 and 1 more transcripts); c.711C>T, p.Phe237= (NM_001350039.2, NM_001350040.2, NM_001350041.2); c.510C>T, p.Phe170= (NM_001350043.2, NM_001350046.2, NM_001350047.2); c.213C>T, p.Phe71= (NM_001350048.2).
Identifiers: ClinVar variation 4281277 (VCV004281277.7).

ClinVar aggregate classification (germline): Likely benign (1 of 4 stars; one submission).

gnomAD v4.1: 143 of 1,613,846 alleles (0.0089%); highest among the groups gnomAD compares: South Asian, 0.16%; 4 homozygotes.

Submission:

CeGaT Center for Human Genetics Tuebingen
Classification: Likely benign. Last evaluated: 2025-09-01. Review status: criteria provided, single submitter. Criteria: CeGaT Center For Human Genetics Tuebingen Variant Classification Criteria Version 2. Collection method: clinical testing. Allele origin: germline. Affected: yes. Observed: 1 variant allele.
Comment: SGSM3: BP4